The following is an entry in ClinVar:

NM_007294.4(BRCA1):c.5506G>A (p.Glu1836Lys)

Gene: BRCA1 (BRCA1 DNA repair associated; minus strand). Cytogenetic location: 17q21.31.
Variant type: single nucleotide variant.
Coding change: c.5506G>A on transcript NM_007294.4 (MANE Select); coding-DNA position 5506, G replaced by A.
Protein change: p.Glu1836Lys; replaces glutamic acid 1836 with lysine.
Molecular consequence: missense variant. On other transcripts: 3 prime UTR variant (1), non-coding transcript variant (1).
Genome position (GRCh38, 1-based): chr17:43,045,764, C>T on the plus strand (G>A on the coding strand, the complement: BRCA1 is on the minus strand). VCF-style: chr17-43045764-C-T. GRCh37 (hg19) VCF-style: chr17-41197781-C-T.
Other names: p.E1836K:GAG>AAG; c.5428G>A, p.Glu1810Lys (NM_001407652.1, NM_001407653.1, NM_001407654.1 and 1 more transcripts); c.5425G>A, p.Glu1809Lys (NM_001407656.1, NM_001407657.1, NM_001407658.1); c.5422G>A, p.Glu1808Lys (NM_001407659.1, NM_001407660.1, NM_001407661.1 and 2 more transcripts); c.5293G>A, p.Glu1765Lys (NM_001407904.1, NM_001407906.1, NM_001407907.1 and 12 more transcripts); c.5290G>A, p.Glu1764Lys (NM_001407915.1, NM_001407916.1, NM_001407917.1 and 1 more transcripts); c.2194G>A, p.Glu732Lys (NM_001407991.1, NM_001407992.1, NM_001407993.1 and 11 more transcripts); c.2191G>A, p.Glu731Lys (NM_001408392.1, NM_001408396.1, NM_001408397.1 and 7 more transcripts); and 75 more; short protein forms E1836K, E1789K, E1857K, E732K, E1539K, E1667K, E1724K, E1747K.
Identifiers: ClinVar variation 55605 (VCV000055605.38), dbSNP rs80356942, ClinGen allele CA003678.
Genomic context (GRCh38, chr17:43,045,764, plus strand): 5'-GTATCAGGTAGGTGTCCAGCTCCTGGCACTGGTAGAGTGCTACACTGTCCAACACCCACT[C>T]TCGGGTCACCACAGGTGCCTCACACATCTGCCCAATTGCTGGAGACAGAGAACACAAGCA-3'
Protein context (NP_009225.1, residues 1826-1846): QMCEAPVVTR[Glu1836Lys]WVLDSVALYQ

ClinVar aggregate classification (germline): Conflicting classifications of pathogenicity. Review status: criteria provided, conflicting classifications (1 of 4 stars). 13 submissions from 13 submitters: Uncertain significance (9); Benign (1); Likely benign (1). 2 of the submissions do not count toward it. Last evaluated 2026-01-08.

Conditions:
Breast and/or ovarian cancer. Identifiers: MedGen CN221562.
Breast-ovarian cancer, familial, susceptibility to, 1 (BROVCA1). Also called: BRCA1 Hereditary Breast and Ovarian Cancer; OVARIAN CANCER, SUSCEPTIBILITY TO. Identifiers: Orphanet 145, MedGen C2676676, MONDO:0011450, OMIM 604370. Disease mechanism: loss of function.
Familial cancer of breast. Also called: hereditary breast carcinoma; BREAST CANCER, FAMILIAL; Hereditary breast cancer. Identifiers: Orphanet 227535, MedGen C0346153, MONDO:0016419, OMIM 114480. Disease mechanism: loss of function.
Fanconi anemia, complementation group S (FANCS). Identifiers: MedGen C4554406, MONDO:0054748, OMIM 617883.
Hereditary cancer-predisposing syndrome. Also called: Hereditary Cancer Syndrome; Hereditary neoplastic syndrome; Neoplastic Syndromes, Hereditary; Tumor predisposition. Identifiers: Orphanet 140162, MedGen C0027672, MeSH D009386, MONDO:0015356.
Hereditary breast ovarian cancer syndrome. Also called: BRCA1- and BRCA2-Associated Hereditary Breast and Ovarian Cancer; Hereditary breast and ovarian cancer syndrome; Hereditary breast and ovarian cancer syndrome (HBOC); Breast and ovarian cancer; Hereditary breast and/or ovarian cancer syndrome; Hereditary breast and ovarian cancer. Identifiers: Orphanet 145, MedGen C0677776, MeSH D061325, MONDO:0003582. Disease mechanism: loss of function.

Allele frequency attached by ClinVar (database versions not stated): ExAC 0.00001; gnomAD exomes 0.00001.

Submissions 1 to 5 of 14:

Myriad Genetics, Inc.
Classification: Benign for Breast-ovarian cancer, familial, susceptibility to, 1. Last evaluated: 2026-01-08. Review status: criteria provided, single submitter. Criteria: Myriad Autosomal Dominant, Autosomal Recessive and X-Linked Classification Criteria (2023). Collection method: clinical testing. Allele origin: unknown.
Comment: This variant is considered benign. This variant been observed in trans with a known pathogenic variant in one or more individuals. Compound heterozygosity for pathogenic variants in this gene is generally assumed to result in embryonic lethality. This variant is strongly associated with less severe personal and family histories of cancer, typical for individuals without pathogenic variants in this gene [PMID: 25085752].

Ambry Genetics
Classification: Uncertain significance for Hereditary cancer-predisposing syndrome. Last evaluated: 2025-05-27. Review status: criteria provided, single submitter. Criteria: Ambry Variant Classification Scheme 2023. Collection method: clinical testing. Allele origin: germline.
Comment: The p.E1836K variant (also known as c.5506G>A and 5625G>A), located in coding exon 22 of the BRCA1 gene, results from a G to A substitution at nucleotide position 5506. The glutamic acid at codon 1836 is replaced by lysine, an amino acid with similar properties. One study, which assessed the effect of BRCT missense alterations by structure and sequence based computational analysis, found this alteration to have a probability of affecting structure and function of 0.48 and 0.42, using two sets of analytic features. Additionally, refined sequence based analysis predicted this alteration to affect function (Williams RS et al. J. Biol. Chem. 2003 Dec; 278(52):53007-16). Using several different structural and functional assays, another study found this alteration to be structurally stable; however, they did predict compromised binding activity and specificity, with less than 10% of wild type for both parameters, and found transcriptional activation to be at 55% of wild type, resulting in a classification of uncertain significance for this alteration (Lee MS et al. Cancer Res. 2010 Jun; 70(12):4880-90). Additionally, while one study suggested that this alteration could perturb phosphopeptide recognition and binding (Campbell SJ et al. Structure 2010 Feb; 18(2):167-76), other studies showed that this alteration does not dramatically affect function (Coquelle N et al. Biochemistry 2011 May; 50(21):4579-89; Findlay GM et al. Nature, 2018 Oct;562:217-222). This amino acid position is well conserved in available vertebrate species. In addition, this alteration is predicted to be deleterious by in silico analysis. Based on the available evidence, the clinical significance of this variant remains unclear.

Women's Health and Genetics/Laboratory Corporation of America, LabCorp
Classification: Uncertain significance. Last evaluated: 2025-01-20. Review status: criteria provided, single submitter. Criteria: LabCorp Variant Classification Summary - May 2015. Collection method: clinical testing. Allele origin: germline.
Comment: Variant summary: BRCA1 c.5506G>A (p.Glu1836Lys) results in a conservative amino acid change located in the BRCT domain profile (IPR001357) of the encoded protein sequence. Three of five in-silico tools predict a damaging effect of the variant on protein function. The variant allele was found at a frequency of 8e-06 in 251336 control chromosomes. The available data on variant occurrences in the general population are insufficient to allow any conclusion about variant significance. To our knowledge, no occurrence of c.5506G>A in individuals affected with Hereditary Breast And Ovarian Cancer Syndrome has been reported. Experimental studies provide conflicting reports regarding the functional outcome of this variant (e.g. Findlay_2018, Lee_2010, Carvalho_2014). The following publications have been ascertained in the context of this evaluation (PMID: 30209399, 20516115, 24845084). ClinVar contains an entry for this variant (Variation ID: 55605). Based on the evidence outlined above, the variant was classified as uncertain significance.

Labcorp Genetics (formerly Invitae), Labcorp
Classification: Uncertain significance for Hereditary breast ovarian cancer syndrome. Last evaluated: 2024-05-29. Review status: criteria provided, single submitter. Criteria: Invitae Variant Classification Sherloc (09022015). Collection method: clinical testing. Allele origin: germline.
Comment: This sequence change replaces glutamic acid, which is acidic and polar, with lysine, which is basic and polar, at codon 1836 of the BRCA1 protein (p.Glu1836Lys). This variant is present in population databases (rs80356942, gnomAD 0.003%). This variant has not been reported in the literature in individuals affected with BRCA1-related conditions. ClinVar contains an entry for this variant (Variation ID: 55605). Advanced modeling performed at Invitae incorporating data from internal and/or published experimental studies (PMID: 30209399) indicates that this missense variant is not expected to disrupt BRCA1 function with a negative predictive value of 95%. Experimental studies are conflicting or provide insufficient evidence to determine the effect of this variant on BRCA1 function (PMID: 20516115, 21473589, 24845084, 30209399, 30765603). In summary, the available evidence is currently insufficient to determine the role of this variant in disease. Therefore, it has been classified as a Variant of Uncertain Significance.

Lupski Lab, Baylor-Hopkins CMG, Baylor College of Medicine
Classification: Likely benign for Breast-ovarian cancer, familial, susceptibility to, 1. Last evaluated: 2024-04-12. Review status: criteria provided, single submitter. Criteria: Dawood et al. (medRxiv. 2024). Collection method: curation. Allele origin: germline.
Comment: Each variant was annotated with functional scores from MAVE data which was translated into functional evidence codes. All other evidence codes and combining criteria were adhered to as closely as possible based on the ClinGen VCEP (Variant Curation Expert Panel) gene-specific recommendations. See Supplemental Figure 34 of final paper (Supp Fig. 28 in preprint: doi:10.1101/2024.04.11.24305690) for a table to see which lines of evidence we did not have data for. The ClinGen VCEPs are highly regarded as the gold-standard for gene-specific variant curation and are developed after extensive evaluation of the evidence by clinical and scientific experts for the particular gene to classify genomic variants on a spectrum from pathogenic to benign using the 2015 ACMG/AMP Variant Interpretation Guidelines as a backbone (PMID: 25741868). Reclassification of these VUS variants from gnomAD or All of Us focused only on variants originally prescribed as VUS in ClinVar. To ensure reproducibility, transparency, and increased throughput, all the procedures for annotating variants and assigning evidence codes were codified using Python. All code has been made freely available and is linked in the Code Availability section and all reclassified variants with evidence codes used can be found in Tables S18-19 (preprint: doi:10.1101/2024.04.11.24305690). For the MAVE data, the clinical curation and clinical strength assignment as per the ClinGen recommendations in Brnich et al. (2020) (PMID: 31892348) for or against pathogenicity or benignity of each of these MAVE datasets utilized in this study were previously published in Fayer et al. (2021) (PMID: 34793697).In brief, for BRCA1 variants, if a variant was categorized as FUNC (functional), it was assigned BS3 evidence and no PS3 evidence, whereas if it was categorized as LOF (loss of function), the variant was assigned PS3 evidence and no BS3 evidence. Variants categorized as INT (intermediate) were left unannotated. For the BRCA1 combining criteria, greater than or equal to 1 criteria of strong benign evidence was enough to reclassify the VUS as Likely Benign. This variant GRCh37:17:41197781:C>T was assigned evidence codes ['BS3'] and an overall classification of Likely Benign